The following is an entry in ClinVar:

NM_015909.4(NBAS):c.3610A>G (p.Thr1204Ala)

Gene: NBAS (NBAS subunit of NRZ tethering complex; minus strand). Cytogenetic location: 2p24.3.
Variant type: single nucleotide variant.
Coding change: c.3610A>G on transcript NM_015909.4 (MANE Select); coding-DNA position 3610, A replaced by G.
Protein change: p.Thr1204Ala; replaces threonine 1204 with alanine.
Molecular consequence: missense variant. On other transcripts: non-coding transcript variant (1).
Genome position (GRCh38, 1-based): chr2:15,374,701, T>C on the plus strand (A>G on the coding strand, the complement: NBAS is on the minus strand). VCF-style: chr2-15374701-T-C. GRCh37 (hg19) VCF-style: chr2-15514825-T-C.
Other names: short protein forms T1204A.
Identifiers: ClinVar variation 1809864 (VCV001809864.4), dbSNP rs371564913, ClinGen allele CA1535976.
Genomic context (GRCh38, chr2:15,374,701, plus strand): 5'-CAAGACATCCAACGGCTTGGATAAGATCTAGCTCCTCTTGAATGGCAGGGGGTCTGTCTG[T>C]TATCAGTTGTAAGCAGCACCTAGAAGAAATTAGATAAATTTTTAAAAAGAAGCAACATAT-3'
Protein context (NP_056993.2, residues 1194-1214): DLARCCLQLI[Thr1204Ala]DRPPAIQEEL

ClinVar aggregate classification (germline): Conflicting classifications of pathogenicity. Review status: criteria provided, conflicting classifications (1 of 4 stars). 2 submissions from 2 submitters: Uncertain significance (1); Likely benign (1). Last evaluated 2026-01-19.

Allele frequency attached by ClinVar (database versions not stated): ExAC 0.00002; gnomAD exomes 0.00001; TOPMed 0.00001; gnomAD 0.00001; ESP Exome Variant Server 0.00008.
gnomAD v4.1: 22 of 1,613,734 alleles (0.0014%); highest among the groups gnomAD compares: Non-Finnish European, 0.0016%; no homozygotes.

Submissions (2):

Labcorp Genetics (formerly Invitae), Labcorp
Classification: Likely benign. Last evaluated: 2026-01-19. Review status: criteria provided, single submitter. Criteria: Invitae Variant Classification Sherloc (09022015). Collection method: clinical testing. Allele origin: germline.

GeneDx
Classification: Uncertain significance. Last evaluated: 2022-06-29. Review status: criteria provided, single submitter. Criteria: GeneDx Variant Classification Process June 2021. Collection method: clinical testing. Allele origin: germline. Affected: yes.
Comment: In silico analysis supports that this missense variant has a deleterious effect on protein structure/function; Has not been previously published as pathogenic or benign to our knowledge